The following is an entry in ClinVar:

ClinVar aggregate classification (germline): Benign. Review status: criteria provided, multiple submitters, no conflicts (2 of 4 stars). 3 submissions from 3 submitters: Benign (2). 1 of the submissions does not count toward it. Last evaluated 2026-01-21.

Conditions:
DSCAML1-related disorder. Also called: DSCAML1-related condition.

Allele frequency attached by ClinVar (database versions not stated): ESP Exome Variant Server 0.00092; ExAC 0.00354; 1000 Genomes Project 0.00419; 1000 Genomes Project 30x 0.00468; gnomAD exomes 0.00146 and 0.00468; gnomAD 0.00366; TOPMed 0.00414.
gnomAD v4.1: 2,709 of 1,614,036 alleles (0.17%); highest among the groups gnomAD compares: Admixed American, 2.2%; 38 homozygotes.

Submissions (3):

Labcorp Genetics (formerly Invitae), Labcorp
Classification: Benign. Last evaluated: 2026-01-21. Review status: criteria provided, single submitter. Criteria: Invitae Variant Classification Sherloc (09022015). Collection method: clinical testing. Allele origin: germline.

Breakthrough Genomics
Classification: Benign. Review status: criteria provided, single submitter. Criteria: ACMG Guidelines, 2015. Collection method: not provided. Allele origin: germline. Inheritance: Unknown mechanism. Affected: yes.

PreventionGenetics, part of Exact Sciences
Classification: Benign for DSCAML1-related condition. Last evaluated: 2023-12-06. Review status: no assertion criteria provided. Collection method: clinical testing. Allele origin: germline. Not counted in ClinVar's aggregate classification.
Comment: This variant is classified as benign based on ACMG/AMP sequence variant interpretation guidelines (Richards et al. 2015 PMID: 25741868, with internal and published modifications).

NM_020693.4(DSCAML1):c.978C>T (p.Thr326=)

Gene: DSCAML1 (DS cell adhesion molecule like 1; minus strand). Cytogenetic location: 11q23.3.
Variant type: single nucleotide variant.
Coding change: c.978C>T on transcript NM_020693.4 (MANE Select); coding-DNA position 978, C replaced by T.
Protein change: p.Thr326=; no amino-acid change (threonine 326 retained).
Molecular consequence: synonymous variant.
Genome position (GRCh38, 1-based): chr11:117,521,365, G>A on the plus strand (C>T on the coding strand, the complement: DSCAML1 is on the minus strand). VCF-style: chr11-117521365-G-A. GRCh37 (hg19) VCF-style: chr11-117392080-G-A.
Other names: c.978C>T, p.Thr326= (NM_001367904.1); c.570C>T, p.Thr190= (NM_001367905.1); c.1158C>T (NM_020693.3).
Identifiers: ClinVar variation 1532717 (VCV001532717.11), dbSNP rs138792664, ClinGen allele CA6297394.
Genomic context (GRCh38, chr11:117,521,365, plus strand): 5'-GATGGTGAACTCTGGGGAGCCCGTCAGGGCACAGGAGAGGATGACCGTGCTGCCAATGCC[G>A]GTCTTCAGCTTCTTTGGTGTCAGGGTCACATGAAGGGGATCTGGGCCGGGCCAGGGAGAC-3'
Protein context (NP_065744.3, residues 316-336): HVTLTPKKLK[Thr326=]GIGSTVILSC